The following is an entry in ClinVar:

ClinVar aggregate classification (germline): Uncertain significance (1 of 4 stars; one submission).

Conditions:
Cardiovascular phenotype. Identifiers: MedGen CN230736.

Allele frequency attached by ClinVar (database versions not stated): gnomAD exomes below 0.00001; gnomAD 0.00001; TOPMed 0.00001.
gnomAD v4.1: 3 of 1,612,806 alleles (0.00019%); highest among the groups gnomAD compares: African/African-American, 0.004%; no homozygotes.

Submission:

Ambry Genetics
Classification: Uncertain significance for Cardiovascular phenotype. Last evaluated: 2019-10-03. Review status: criteria provided, single submitter. Criteria: Ambry Variant Classification Scheme 2023. Collection method: clinical testing. Allele origin: germline.
Comment: The p.P18920S variant (also known as c.56758C>T), located in coding exon 153 of the TTN gene, results from a C to T substitution at nucleotide position 56758. The proline at codon 18920 is replaced by serine, an amino acid with similar properties. This amino acid position is highly conserved in available vertebrate species. In addition, this alteration is predicted to be tolerated by in silico analysis. Since supporting evidence is limited at this time, the clinical significance of this alteration remains unclear.

NM_001267550.2(TTN):c.83953C>T (p.Pro27985Ser)

Genes: TTN (titin; minus strand), TTN-AS1 (TTN antisense RNA 1; plus strand). Cytogenetic location: 2q31.2.
Variant type: single nucleotide variant.
Coding change: c.83953C>T on transcript NM_001267550.2 (MANE Select); coding-DNA position 83953, C replaced by T.
Protein change: p.Pro27985Ser; replaces proline 27985 with serine.
Molecular consequence: missense variant.
Genome position (GRCh38, 1-based): chr2:178,562,179, G>A on the plus strand (C>T on the coding strand, the complement: TTN is on the minus strand). VCF-style: chr2-178562179-G-A. GRCh37 (hg19) VCF-style: chr2-179426906-G-A.
Other names: c.57133C>T, p.Pro19045Ser (NM_133432.3); c.57334C>T, p.Pro19112Ser (NM_133437.4); c.79030C>T, p.Pro26344Ser (NM_001256850.1); c.56758C>T, p.Pro18920Ser (NM_003319.4); c.76249C>T, p.Pro25417Ser (NM_133378.4); short protein forms P19045S, P19112S, P18920S, P25417S, P26344S, P27985S.
Identifiers: ClinVar variation 1748986 (VCV001748986.2), dbSNP rs1362226750, ClinGen allele CA349563385.